The following is an entry in ClinVar:

NM_000435.3(NOTCH3):c.307C>G (p.Arg103Gly)

Gene: NOTCH3 (notch receptor 3; minus strand). Cytogenetic location: 19p13.12.
Variant type: single nucleotide variant.
Coding change: c.307C>G on transcript NM_000435.3 (MANE Select); coding-DNA position 307, C replaced by G.
Protein change: p.Arg103Gly; replaces arginine 103 with glycine.
Molecular consequence: missense variant.
Genome position (GRCh38, 1-based): chr19:15,192,410, G>C on the plus strand (C>G on the coding strand, the complement: NOTCH3 is on the minus strand). VCF-style: chr19-15192410-G-C. GRCh37 (hg19) VCF-style: chr19-15303221-G-C.
Other names: short protein forms R103G.
Identifiers: ClinVar variation 3571888 (VCV003571888.1).

ClinVar aggregate classification (germline): Uncertain significance (1 of 4 stars; one submission).

gnomAD v4.1: 1 of 1,612,382 alleles (0.000062%); highest among the groups gnomAD compares: Non-Finnish European, 0.000085%; no homozygotes.

Submission:

Athena Diagnostics
Classification: Uncertain significance. Last evaluated: 2023-09-29. Review status: criteria provided, single submitter. Criteria: Athena Diagnostics Criteria. Collection method: clinical testing. Allele origin: unknown.
Comment: Available data are insufficient to determine the clinical significance of the variant at this time. The frequency of this variant in the general population is uninformative in assessment of its pathogenicity. Computational tools predict that this variant is not damaging. Greater than 90% of NOTCH3 pathogenic variants associated with CADASIL involve the gain or loss of a cysteine residue within the epidermal growth factor (EGF)-like repeat domain (PMID: 32457593, 20301673).